The following is an entry in ClinVar:

NM_022482.5(GZF1):c.1864A>G (p.Thr622Ala)

Gene: GZF1 (GDNF inducible zinc finger protein 1; plus strand). Cytogenetic location: 20p11.21.
Variant type: single nucleotide variant.
Coding change: c.1864A>G on transcript NM_022482.5 (MANE Select); coding-DNA position 1864, A replaced by G.
Protein change: p.Thr622Ala; replaces threonine 622 with alanine.
Molecular consequence: missense variant. On other transcripts: synonymous variant (1).
Genome position (GRCh38, 1-based): chr20:23,370,169, A>G. VCF-style: chr20-23370169-A-G. GRCh37 (hg19) VCF-style: chr20-23350806-A-G.
Other names: c.1864A>G, p.Thr622Ala (NM_001317012.2); c.1818A>G, p.Arg606= (NM_001317019.1); short protein forms T622A.
Identifiers: ClinVar variation 1469054 (VCV001469054.6), dbSNP rs1294693356, ClinGen allele CA408415163.

ClinVar aggregate classification (germline): Uncertain significance (1 of 4 stars; one submission).

Allele frequency attached by ClinVar (database versions not stated): gnomAD 0.00001.
gnomAD v4.1: 1 of 1,614,104 alleles (0.000062%); highest among the groups gnomAD compares: Non-Finnish European, 0.000085%; no homozygotes.

Submission:

Labcorp Genetics (formerly Invitae), Labcorp
Classification: Uncertain significance. Last evaluated: 2022-06-27. Review status: criteria provided, single submitter. Criteria: Invitae Variant Classification Sherloc (09022015). Collection method: clinical testing. Allele origin: germline.
Comment: In summary, the available evidence is currently insufficient to determine the role of this variant in disease. Therefore, it has been classified as a Variant of Uncertain Significance. This sequence change replaces threonine with alanine at codon 622 of the GZF1 protein (p.Thr622Ala). The threonine residue is weakly conserved and there is a small physicochemical difference between threonine and alanine. This variant is not present in population databases (gnomAD no frequency). This variant has not been reported in the literature in individuals affected with GZF1-related conditions. Algorithms developed to predict the effect of missense changes on protein structure and function are either unavailable or do not agree on the potential impact of this missense change (SIFT: "Not Available"; PolyPhen-2: "Benign"; Align-GVGD: "Not Available").